The following is an entry in ClinVar:

NM_001366145.2(TRPM3):c.3088G>T (p.Val1030Phe)

Gene: TRPM3 (transient receptor potential cation channel subfamily M member 3; minus strand). Cytogenetic location: 9q21.12.
Variant type: single nucleotide variant.
Coding change: c.3088G>T on transcript NM_001366145.2 (MANE Select); coding-DNA position 3088, G replaced by T.
Protein change: p.Val1030Phe; replaces valine 1030 with phenylalanine.
Molecular consequence: missense variant.
Genome position (GRCh38, 1-based): chr9:70,591,166, C>A on the plus strand (G>T on the coding strand, the complement: TRPM3 is on the minus strand). VCF-style: chr9-70591166-C-A. GRCh37 (hg19) VCF-style: chr9-73206082-C-A.
Other names: c.3052G>T, p.Val1018Phe (NM_001007471.4, NM_001366151.2); c.3058G>T, p.Val1020Phe (NM_001366141.2, NM_001366143.2, NM_001366149.2); c.3094G>T, p.Val1032Phe (NM_001366142.2); c.3088G>T, p.Val1030Phe (NM_001366146.2); c.3163G>T, p.Val1055Phe (NM_001366147.2, NM_001366152.2); c.3133G>T, p.Val1045Phe (NM_001366148.2); c.3022G>T, p.Val1008Phe (NM_001366150.2); c.2629G>T, p.Val877Phe (NM_001366154.2, NM_024971.7); and 5 more; short protein forms V1008F, V1018F, V1020F, V1030F, V1032F, V1045F, V1055F, V855F.
Identifiers: ClinVar variation 3375828 (VCV003375828.1).

ClinVar aggregate classification (germline): Uncertain significance (1 of 4 stars; one submission).

Submission:

GeneDx
Classification: Uncertain significance. Last evaluated: 2024-05-01. Review status: criteria provided, single submitter. Criteria: GeneDx Variant Classification Process June 2021. Collection method: clinical testing. Allele origin: germline. Affected: yes.
Comment: Not observed at significant frequency in large population cohorts (gnomAD); In silico analysis supports that this missense variant has a deleterious effect on protein structure/function; Has not been previously published as pathogenic or benign to our knowledge